The following is an entry in ClinVar:

ClinVar aggregate classification (germline): Uncertain significance (1 of 4 stars; one submission).

Submission:

Ambry Genetics
Classification: Uncertain significance. Last evaluated: 2024-05-20. Review status: criteria provided, single submitter. Criteria: Ambry Variant Classification Scheme 2023. Collection method: clinical testing. Allele origin: germline.
Comment: The p.Q2838P variant (also known as c.8513A>C), located in coding exon 62 of the PRKDC gene, results from an A to C substitution at nucleotide position 8513. The glutamine at codon 2838 is replaced by proline, an amino acid with similar properties. This amino acid position is conserved. In addition, this alteration is predicted to be tolerated by in silico analysis. Based on the available evidence, the clinical significance of this variant remains unclear.

NM_006904.7(PRKDC):c.8513A>C (p.Gln2838Pro)

Gene: PRKDC (protein kinase, DNA-activated, catalytic subunit; minus strand). Cytogenetic location: 8q11.21.
Variant type: single nucleotide variant.
Coding change: c.8513A>C on transcript NM_006904.7 (MANE Select); coding-DNA position 8513, A replaced by C.
Protein change: p.Gln2838Pro; replaces glutamine 2838 with proline.
Molecular consequence: missense variant.
Genome position (GRCh38, 1-based): chr8:47,828,232, T>G on the plus strand (A>C on the coding strand, the complement: PRKDC is on the minus strand). VCF-style: chr8-47828232-T-G. GRCh37 (hg19) VCF-style: chr8-48740793-T-G.
Other names: c.8513A>C, p.Gln2838Pro (NM_001081640.2); short protein forms Q2838P.
Identifiers: ClinVar variation 3310154 (VCV003310154.1).